The following is an entry in ClinVar:

ClinVar aggregate classification (germline): Uncertain significance (1 of 4 stars; one submission).

Submission:

Labcorp Genetics (formerly Invitae), Labcorp
Classification: Uncertain significance. Last evaluated: 2021-12-27. Review status: criteria provided, single submitter. Criteria: Invitae Variant Classification Sherloc (09022015). Collection method: clinical testing. Allele origin: germline.
Comment: In summary, the available evidence is currently insufficient to determine the role of this variant in disease. Therefore, it has been classified as a Variant of Uncertain Significance. Algorithms developed to predict the effect of missense changes on protein structure and function are either unavailable or do not agree on the potential impact of this missense change (SIFT: "Deleterious"; PolyPhen-2: "Probably Damaging"; Align-GVGD: "Class C0"). This variant has not been reported in the literature in individuals affected with LAMA1-related conditions. This variant is not present in population databases (gnomAD no frequency). This sequence change replaces glutamic acid, which is acidic and polar, with glutamine, which is neutral and polar, at codon 721 of the LAMA1 protein (p.Glu721Gln).

NM_005559.4(LAMA1):c.2161G>C (p.Glu721Gln)

Gene: LAMA1 (laminin subunit alpha 1; minus strand). Cytogenetic location: 18p11.31.
Variant type: single nucleotide variant.
Coding change: c.2161G>C on transcript NM_005559.4 (MANE Select); coding-DNA position 2161, G replaced by C.
Protein change: p.Glu721Gln; replaces glutamic acid 721 with glutamine.
Molecular consequence: missense variant.
Genome position (GRCh38, 1-based): chr18:7,032,986, C>G on the plus strand (G>C on the coding strand, the complement: LAMA1 is on the minus strand). VCF-style: chr18-7032986-C-G. GRCh37 (hg19) VCF-style: chr18-7032985-C-G.
Other names: short protein forms E721Q.
Identifiers: ClinVar variation 2037981 (VCV002037981.4), dbSNP rs2510084744, ClinGen allele CA401829114.
Genomic context (GRCh38, chr18:7,032,986, plus strand): 5'-CACTGTTTTCCCCTTAGGAAGGAACGAAAGGAAAAAGACAGGAAGAGAGAAGCGTCACCT[C>G]ACAGGAGGTCCCTGTGTAGCCTTGCGGACATTCACAGTGCTCCACATCAGCGGCCACCAC-3'
Protein context (NP_005550.2, residues 711-731): CPQGYTGTSC[Glu721Gln]SCLSGYYRVD